The following is an entry in ClinVar:

ClinVar aggregate classification (germline): Uncertain significance (1 of 4 stars; one submission).

Submission:

Labcorp Genetics (formerly Invitae), Labcorp
Classification: Uncertain significance. Last evaluated: 2024-04-05. Review status: criteria provided, single submitter. Criteria: Invitae Variant Classification Sherloc (09022015). Collection method: clinical testing. Allele origin: germline.
Comment: This sequence change falls in intron 5 of the FBLN5 gene. It does not directly change the encoded amino acid sequence of the FBLN5 protein. It affects a nucleotide within the consensus splice site. This variant is present in population databases (no rsID available, gnomAD 0.0009%). This variant has not been reported in the literature in individuals affected with FBLN5-related conditions. Variants that disrupt the consensus splice site are a relatively common cause of aberrant splicing (PMID: 17576681, 9536098). Algorithms developed to predict the effect of sequence changes on RNA splicing suggest that this variant is not likely to affect RNA splicing. In summary, the available evidence is currently insufficient to determine the role of this variant in disease. Therefore, it has been classified as a Variant of Uncertain Significance.

Literature cited by the submitters: PubMed 17576681; PubMed 9536098.

NM_006329.4(FBLN5):c.502+5C>T

Gene: FBLN5 (fibulin 5; minus strand). Cytogenetic location: 14q32.12.
Variant type: single nucleotide variant.
Coding change: c.502+5C>T on transcript NM_006329.4 (MANE Select); 5 bases into the intron after coding-DNA position 502, C replaced by T.
Molecular consequence: intron variant.
Genome position (GRCh38, 1-based): chr14:91,894,945, G>A on the plus strand (C>T on the coding strand, the complement: FBLN5 is on the minus strand). VCF-style: chr14-91894945-G-A. GRCh37 (hg19) VCF-style: chr14-92361289-G-A.
Other names: c.502+5C>T (NM_001384160.1); c.625+5C>T (NM_001384158.1); c.334+5C>T (NM_001384162.1, NM_001384161.1); c.553+5C>T (NM_001384159.1).
Identifiers: ClinVar variation 3681890 (VCV003681890.2).